The following is an entry in ClinVar:

ClinVar aggregate classification (germline): Uncertain significance (1 of 4 stars; one submission).

Conditions:
MHC class I deficiency. Identifiers: Orphanet 34592, MedGen C6024714, MONDO:0011476.

gnomAD v4.1: 8 of 1,612,116 alleles (0.0005%); highest among the groups gnomAD compares: Non-Finnish European, 0.00068%; no homozygotes.

Submission:

Labcorp Genetics (formerly Invitae), Labcorp
Classification: Uncertain significance for MHC class I deficiency 1. Last evaluated: 2024-05-28. Review status: criteria provided, single submitter. Criteria: Invitae Variant Classification Sherloc (09022015). Collection method: clinical testing. Allele origin: germline.
Comment: This sequence change affects a donor splice site in intron 2 of the TAPBP gene. It is expected to disrupt RNA splicing. Variants that disrupt the donor or acceptor splice site typically lead to a loss of protein function (PMID: 16199547), however the current clinical and genetic evidence is not sufficient to establish whether loss-of-function variants in TAPBP cause disease. This variant is present in population databases (no rsID available, gnomAD 0.0009%). This variant has not been reported in the literature in individuals affected with TAPBP-related conditions. Algorithms developed to predict the effect of sequence changes on RNA splicing suggest that this variant may disrupt the consensus splice site. In summary, the available evidence is currently insufficient to determine the role of this variant in disease. Therefore, it has been classified as a Variant of Uncertain Significance.

Literature cited by the submitters: PubMed 16199547.

NM_003190.5(TAPBP):c.208+1G>C

Gene: TAPBP (TAP binding protein; minus strand). Cytogenetic location: 6p21.32.
Variant type: single nucleotide variant.
Coding change: c.208+1G>C on transcript NM_003190.5 (MANE Select); the canonical splice donor site of the intron after coding-DNA position 208, G replaced by C.
Molecular consequence: splice donor variant.
Genome position (GRCh38, 1-based): chr6:33,313,693, C>G on the plus strand (G>C on the coding strand, the complement: TAPBP is on the minus strand). VCF-style: chr6-33313693-C-G. GRCh37 (hg19) VCF-style: chr6-33281470-C-G.
Other names: c.208+1G>C (NM_172209.3, NM_001410875.1, NM_172208.3).
Identifiers: ClinVar variation 3667026 (VCV003667026.2).